The following is an entry in ClinVar:

ClinVar aggregate classification (germline): Uncertain significance (1 of 4 stars; one submission).

Conditions:
Neutral lipid storage myopathy (NLSDM). Also called: NEUTRAL LIPID STORAGE DISEASE WITHOUT ICHTHYOSIS. Identifiers: Orphanet 98908, MedGen C1853136, MONDO:0012545, OMIM 610717.

Submission:

Labcorp Genetics (formerly Invitae), Labcorp
Classification: Uncertain significance for Neutral lipid storage myopathy. Last evaluated: 2017-06-05. Review status: criteria provided, single submitter. Criteria: Invitae Variant Classification Sherloc (09022015). Collection method: clinical testing. Allele origin: germline.
Comment: In summary, this variant has uncertain impact on PNPLA2 function. The available evidence is currently insufficient to determine its role in disease. Therefore, it has been classified as a Variant of Uncertain Significance. Algorithms developed to predict the effect of missense changes on protein structure and function do not agree on the potential impact of this missense change (SIFT: "Deleterious"; PolyPhen-2: "Benign"; Align-GVGD: "Class C0"). This variant has not been reported in the literature in individuals with a PNPLA2-related disease. This variant is not present in population databases (ExAC no frequency). This sequence change replaces alanine with isoleucine at codon 104 of the PNPLA2 protein (p.Ala104Ile). The alanine residue is moderately conserved and there is a small physicochemical difference between alanine and isoleucine.

NM_020376.4(PNPLA2):c.310_311delinsAT (p.Ala104Ile)

Gene: PNPLA2 (patatin like domain 2, triacylglycerol lipase; plus strand). Cytogenetic location: 11p15.5.
Variant type: Indel.
Coding change: c.310_311delinsAT on transcript NM_020376.4 (MANE Select); coding-DNA positions 310 to 311, GC replaced by AT.
Protein change: p.Ala104Ile; replaces alanine 104 with isoleucine.
Molecular consequence: missense variant.
Genome position (GRCh38, 1-based): chr11:821,750-821,751, GC replaced by AT. VCF-style: chr11-821750-GC-AT. GRCh37 (hg19) VCF-style: chr11-821750-GC-AT.
Other names: short protein forms A104I.
Identifiers: ClinVar variation 465791 (VCV000465791.7), dbSNP rs1554975650, ClinGen allele CA658658025.